The following continues an entry in ClinVar:

NM_000518.5(HBB):c.27dup (p.Ser10fs)

ClinVar aggregate classification (germline): Pathogenic. Pathogenic (27).

Submissions 26 to 34 of 34:

Lifecell International Pvt. Ltd
Classification: Pathogenic for Beta-thalassemia HBB/LCRB. Review status: criteria provided, single submitter. Criteria: ACMG Guidelines, 2015. Collection method: clinical testing. Allele origin: germline. Inheritance: Autosomal recessive inheritance. Affected: yes. Observed: 1 compound heterozygote.
Comment: The frameshift duplication NM_000518.5 (HBB):c.27dupG (p.Ser10Valfs*14) has been reported to ClinVar as Pathogenic with a status of (2 stars) criteria provided, multiple submitters, no conflicts (Variation ID 36308 as of 2022-06-02). The p.Ser10Valfs*14 variant is observed in 62/30,614 (0.2025%) alleles from individuals of gnomAD South Asian background in gnomAD. The p.Ser10Valfs*14 variant is novel (not in any individuals) in 1kG. This variant is predicted to cause loss of normal protein function through protein truncation caused a frameshift mutation. The frame shifted sequence continues 14 residues until a stop codon is reached. This variant is a frameshift variant which occurs in an exon of HBB upstream of where nonsense mediated decay is predicted to occur. This variant has been previously classified as pathogenic, indicating that the region is critical to protein function. There are 83 downstream pathogenic loss of function variants, with the furthest variant being 123 residues downstream of this variant. This indicates that the region is critical to protein function. The p.Ser10Valfs*14 vari ant is a loss of function variant in the gene HBB, which is intolerant of Loss of Function variants, as indicated by the presence of existing pathogenic loss of function variant NP_000509.1:p.M1L and 61 others. This premature translational stop signal has been observed in individual(s) with autosomal recessive beta thalassemia and loss of function in HBB is known to be pathogenic (Muhammad R et al., 2017). For these reasons, this variant has been classified as Pathogenic.

Neuberg Centre For Genomic Medicine, NCGM
Classification: Pathogenic for Beta-thalassemia HBB/LCRB. Review status: criteria provided, single submitter. Criteria: ACMG Guidelines, 2015. Collection method: clinical testing. Allele origin: germline. Inheritance: Autosomal dominant inheritance. Affected: yes.
Comment: The frame shift (p.Ser10ValfsTer14) variant has been observed in numerous individuals and families affected with Thalassemia-beta, dominant inclusion-body and has been reported as a prevalent disease-associated variant in several populations (Muhammad et. al., 2017; Villegas et. al., 1998, Jalilian et. al., 2017). The p.Ser10ValfsTer14 variant is novel (not in any individuals) in 1000 Genomes and has allele frequency of 0.002508% in gnomAD database. This variant has been reported to the ClinVar database as Pathogenic. This variant causes a frameshift starting with codon Serine 10, changes this amino acid to Valine residue, and creates a premature Stop codon at position 14 of the new reading frame, denoted p.Ser10ValfsTer14. It is predicted to cause loss of normal protein function through protein truncation. Loss of function variants have been previously reported to be disease causing. For these reasons, this variant has been classified as Pathogenic. In the absence of another reportable variant, the molecular diagnosis of beta thalassemia is not confirmed.

Precision Medicine Lab Center, Yangjiang People's Hospital
Classification: Pathogenic for Beta-thalassemia HBB/LCRB. Last evaluated: 2025-03-01. Review status: no assertion criteria provided. Collection method: clinical testing. Allele origin: inherited. Inheritance: Autosomal recessive inheritance. Affected: yes. Observed: 1 heterozygote. Not counted in ClinVar's aggregate classification.
Comment: The HBB:c.26_27insG results in a premature termination codon, predicted to cause a truncation of the encoded protein. This variant was not included in the normal population frequency database. This variant has not been previously reported in the literature. Patients with this variant have microcytic hypochromic anemia with a phenotype consistent with beta thalassemia. Based on the above evidence, this variant is classified as pathogenic.

MOLECULAR BIOLOGY AND HUMAN GENETICS DIVISION, THE UNIVERSITY OF BURDWAN
Classification: Pathogenic for Beta-thalassemia HBB/LCRB. Last evaluated: 2024-05-07. Review status: no assertion criteria provided. Collection method: clinical testing. Allele origin: germline. Affected: yes. Observed: 4 variant alleles. Not counted in ClinVar's aggregate classification.
Comment: The HBB c.27dupG (NP_000509.1:p.Ser10fs) is a beta0 mutation. The variant is a frameshift mutation leads to premature protein termination. When this variant present in homozygous or in compound heterozygous with other pathogenic HBB mutation leads to severe type of thalassemia. Patients needing monthly transfusion, often presented with hepatosplenomegaly, Iron overload. The frequency of the variant in thalassemia patient in Eastern India is 0.39 % as per our multicentric project - A Genetic Diagnostic Algorithm Based Study for Thalassemia in Northern and Eastern Indian Populations, Funded by Dept. of Biotechnology , Govt of India [Project No. BT/PR26461/MED/12/821/2018]

PreventionGenetics, part of Exact Sciences
Classification: Pathogenic for HBB-related condition. Last evaluated: 2024-02-26. Review status: no assertion criteria provided. Collection method: clinical testing. Allele origin: germline. Not counted in ClinVar's aggregate classification.
Comment: The HBB c.27dupG variant is predicted to result in a frameshift and premature protein termination (p.Ser10Valfs*14). This variant (which also may be referred to as c.27_28insG) has been previously reported to be causative for beta-thalassemia (Kazazian et al. 1984. PubMed ID: 6714226; Giardine et al. 2014. PubMed ID: 24137000; Jalilian et al. 2017. PubMed ID: 28391758; Muhammad et al. 2017. PubMed ID: 28635337). This variant is reported in 0.20% of alleles in individuals of South Asian descent in gnomAD. Frameshift variants in HBB are expected to be pathogenic. This variant is interpreted as pathogenic.

The ITHANET community portal, The Cyprus Institute of Neurology and Genetics
Classification: Pathogenic for beta Thalassemia. Last evaluated: 2019-11-25. Review status: no assertion criteria provided. Collection method: curation. Allele origin: germline. Not counted in ClinVar's aggregate classification.

OMIM
Classification: Pathogenic for BETA-ZERO-THALASSEMIA. Last evaluated: 2017-02-27. Review status: no assertion criteria provided. Collection method: literature only. Allele origin: germline. Not counted in ClinVar's aggregate classification.

GeneReviews
No classification provided. Condition: beta Thalassemia. Review status: no classification provided. Collection method: literature only. Allele origin: germline. Not counted in ClinVar's aggregate classification.

Genomic Medicine Center of Excellence, King Faisal Specialist Hospital and Research Centre
Classification: Uncertain significance for Malaria, susceptibility to. Last evaluated: 2024-03-29. Review status: flagged submission. Criteria: ACMG Guidelines, 2015. Collection method: clinical testing. Allele origin: germline. Not counted in ClinVar's aggregate classification.
ClinVar note: Reason: Outlier claim with insufficient supporting evidence

Literature cited by the submitters: PubMed 23637309 (cited by Labcorp Genetics (formerly Invitae), Labcorp); PubMed 9949622 (cited by 4 submitters); PubMed 27263053 (cited by 8 submitters); PubMed 28391758 (cited by 5 submitters); PubMed 28635337 (cited by 3 submitters); PubMed 20301599 (cited by Victorian Clinical Genetics Services, Murdoch Childrens Research Institute); PubMed 29700171 (cited by Victorian Clinical Genetics Services, Murdoch Childrens Research Institute); PubMed 31788855 (cited by Victorian Clinical Genetics Services, Murdoch Childrens Research Institute); PubMed 25408857 (cited by 3 submitters); PubMed 6714226 (cited by 7 submitters); PubMed 22110956 (cited by Genetic Diagnostics Department, Viafet Genomics Laboratory and Myriad Genetics, Inc.); PubMed 23590658 (cited by Genetic Diagnostics Department, Viafet Genomics Laboratory and Illumina Laboratory Services, Illumina); PubMed 24369358 (cited by Myriad Genetics, Inc.); PubMed 16821247 (cited by Myriad Genetics, Inc.); PubMed 21509314 (cited by Myriad Genetics, Inc.); PubMed 22200002 (cited by Illumina Laboratory Services, Illumina); PubMed 8330981 (cited by Women's Health and Genetics/Laboratory Corporation of America, LabCorp); PubMed 9101288 (cited by The ITHANET community portal, The Cyprus Institute of Neurology and Genetics); Kazazian, H. H., Jr. Personal Communication. 1982. Baltimore, Md. (cited by OMIM); NCBI Bookshelf NBK1426 (cited by GeneReviews).